The following is an entry in ClinVar:

NM_025132.4(WDR19):c.2674G>A (p.Val892Ile)

Gene: WDR19 (WD repeat domain 19; plus strand). Cytogenetic location: 4p14.
Variant type: single nucleotide variant.
Coding change: c.2674G>A on transcript NM_025132.4 (MANE Select); coding-DNA position 2674, G replaced by A.
Protein change: p.Val892Ile; replaces valine 892 with isoleucine.
Molecular consequence: missense variant.
Genome position (GRCh38, 1-based): chr4:39,245,397, G>A. VCF-style: chr4-39245397-G-A. GRCh37 (hg19) VCF-style: chr4-39247017-G-A.
Other names: c.2194G>A, p.Val732Ile (NM_001317924.2); c.2674G>A (NM_025132.3); short protein forms V732I, V892I.
Identifiers: ClinVar variation 1009042 (VCV001009042.9), dbSNP rs551049157, ClinGen allele CA2892158.
Genomic context (GRCh38, chr4:39,245,397, plus strand): 5'-CTCATACTGTTCTCCTGGACCTACCTTTCCAGGGCAAAAGTTGGTGATCTTCTGCCCCAC[G>A]TTTCTTCTCCTAAGATCCATTTGCAGTATGCCAAAGCCAAGGAAGCAGATGGAAGGTTTG-3'
Protein context (NP_079408.3, residues 882-902): WAKVGDLLPH[Val892Ile]SSPKIHLQYA

ClinVar aggregate classification (germline): Uncertain significance. Review status: criteria provided, multiple submitters, no conflicts (2 of 4 stars). 3 submissions from 3 submitters: Uncertain significance (3). Last evaluated 2025-08-09.

Conditions:
Senior-Loken syndrome 8 (SLSN8). Identifiers: Orphanet 3156, MedGen C4225376, MONDO:0014579, OMIM 616307.
Asphyxiating thoracic dystrophy 5 (SRTD5). Also called: SHORT-RIB THORACIC DYSPLASIA 5 WITH OR WITHOUT POLYDACTYLY; SHORT-RIB THORACIC DYSPLASIA 5 WITHOUT POLYDACTYLY. Identifiers: Orphanet 474, MedGen C3280598, MONDO:0013717, OMIM 614376.
Inborn genetic diseases. Identifiers: MedGen C0950123, MeSH D030342.

Allele frequency attached by ClinVar (database versions not stated): gnomAD 0.00001; gnomAD exomes 0.00002; ExAC 0.00003; 1000 Genomes Project 30x 0.00016; 1000 Genomes Project 0.00020.
gnomAD v4.1: 24 of 1,613,574 alleles (0.0015%); highest among the groups gnomAD compares: South Asian, 0.011%; no homozygotes.

Submissions (3):

Ambry Genetics
Classification: Uncertain significance for Inborn genetic diseases. Last evaluated: 2025-08-09. Review status: criteria provided, single submitter. Criteria: Ambry Variant Classification Scheme 2023. Collection method: clinical testing. Allele origin: germline.

Labcorp Genetics (formerly Invitae), Labcorp
Classification: Uncertain significance for Senior-Loken syndrome 8; Asphyxiating thoracic dystrophy 5. Last evaluated: 2022-07-26. Review status: criteria provided, single submitter. Criteria: Invitae Variant Classification Sherloc (09022015). Collection method: clinical testing. Allele origin: germline.
Comment: This sequence change replaces valine, which is neutral and non-polar, with isoleucine, which is neutral and non-polar, at codon 892 of the WDR19 protein (p.Val892Ile). This variant is present in population databases (rs551049157, gnomAD 0.01%). This variant has not been reported in the literature in individuals affected with WDR19-related conditions. ClinVar contains an entry for this variant (Variation ID: 1009042). Algorithms developed to predict the effect of missense changes on protein structure and function output the following: SIFT: "Tolerated"; PolyPhen-2: "Benign"; Align-GVGD: "Class C0". The isoleucine amino acid residue is found in multiple mammalian species, which suggests that this missense change does not adversely affect protein function. In summary, the available evidence is currently insufficient to determine the role of this variant in disease. Therefore, it has been classified as a Variant of Uncertain Significance.

Blueprint Genetics
Classification: Uncertain significance. Last evaluated: 2022-07-18. Review status: criteria provided, single submitter. Criteria: ACMG Guidelines, 2015. Collection method: clinical testing. Allele origin: germline.